The following is an entry in ClinVar:

ClinVar aggregate classification (germline): Likely pathogenic (1 of 4 stars; one submission).

Conditions:
SIN3A-related intellectual disability syndrome due to a point mutation. Also called: WITTEVEEN-KOLK SYNDROME; 15q24 Microdeletion Syndrome. Identifiers: Orphanet 500166, Orphanet 94065, MedGen C4310804, MONDO:0044700, OMIM 613406.

Submission:

Laboratorio de Genetica e Diagnostico Molecular, Hospital Israelita Albert Einstein
Classification: Likely pathogenic for SIN3A-related intellectual disability syndrome due to a point mutation. Last evaluated: 2024-11-12. Review status: criteria provided, single submitter. Criteria: ACMG Guidelines, 2015. Collection method: clinical testing. Allele origin: germline. Affected: yes.
Comment: ACMG classification criteria: PVS1 very strong, PM2 supporting

NM_001145358.2(SIN3A):c.2479C>T (p.Gln827Ter)

Gene: SIN3A (SIN3 transcription regulator family member A; minus strand). Cytogenetic location: 15q24.2.
Variant type: single nucleotide variant.
Coding change: c.2479C>T on transcript NM_001145358.2 (MANE Select); coding-DNA position 2479, C replaced by T.
Protein change: p.Gln827Ter; replaces glutamine 827 with a stop codon.
Molecular consequence: nonsense.
Genome position (GRCh38, 1-based): chr15:75,392,614, G>A on the plus strand (C>T on the coding strand, the complement: SIN3A is on the minus strand). VCF-style: chr15-75392614-G-A. GRCh37 (hg19) VCF-style: chr15-75684955-G-A.
Other names: c.2479C>T, p.Gln827Ter (NM_001145357.2, NM_001437462.1, NM_001437463.1 and 1 more transcripts); short protein forms Q827*.
Identifiers: ClinVar variation 4076169 (VCV004076169.1).